The following is an entry in ClinVar:

ClinVar aggregate classification (germline): Benign/Likely benign. Review status: criteria provided, multiple submitters, no conflicts (2 of 4 stars). 6 submissions from 5 submitters: Benign (2); Likely benign (4). Last evaluated 2026-02-01.

Conditions:
Autosomal dominant hypophosphatemic rickets (ADHR). Also called: HYPOPHOSPHATEMIA, AUTOSOMAL DOMINANT; VITAMIN D-RESISTANT RICKETS, AUTOSOMAL DOMINANT. Identifiers: Orphanet 89937, MedGen C0342642, MONDO:0008660, OMIM 193100.
Tumoral calcinosis, hyperphosphatemic, familial, 2. Identifiers: MedGen C4693863, MONDO:0060714, OMIM 617993.

Allele frequency attached by ClinVar (database versions not stated): ESP Exome Variant Server 0.00362; 1000 Genomes Project 0.00399; 1000 Genomes Project 30x 0.00422; TOPMed 0.00428.

Submissions (6):

Labcorp Genetics (formerly Invitae), Labcorp
Classification: Benign. Last evaluated: 2026-02-01. Review status: criteria provided, single submitter. Criteria: Invitae Variant Classification Sherloc (09022015). Collection method: clinical testing. Allele origin: germline.

Mayo Clinic Laboratories, Mayo Clinic
Classification: Likely benign. Last evaluated: 2025-09-17. Review status: criteria provided, single submitter. Criteria: ACMG Guidelines, 2015. Collection method: clinical testing. Allele origin: germline. Observed: 1 variant allele.
Comment: BP4, BP7

Blueprint Genetics
Classification: Likely benign. Last evaluated: 2024-11-27. Review status: criteria provided, single submitter. Criteria: ACMG Guidelines, 2015. Collection method: clinical testing. Allele origin: germline.

Fulgent Genetics
Classification: Benign for Autosomal dominant hypophosphatemic rickets; Tumoral calcinosis, hyperphosphatemic, familial, 2. Last evaluated: 2021-07-27. Review status: criteria provided, single submitter. Criteria: ACMG Guidelines, 2015. Collection method: clinical testing. Allele origin: unknown.

Illumina Laboratory Services, Illumina
Classification: Likely benign for Autosomal dominant hypophosphatemic rickets. Last evaluated: 2017-04-28. Review status: criteria provided, single submitter. Criteria: ICSL Variant Classification Criteria 13 December 2019. Collection method: clinical testing. Allele origin: germline.
Comment: This variant was observed as part of a predisposition screen in an ostensibly healthy population. A literature search was performed for the gene, cDNA change, and amino acid change (where applicable). No publications were found based on this search. Allele frequency data from public databases allowed determination this variant is unlikely to cause disease. Therefore, this variant is classified as likely benign.

Illumina Laboratory Services, Illumina
Classification: Likely benign for Tumoral calcinosis, hyperphosphatemic, familial, 2. Last evaluated: 2017-04-28. Review status: criteria provided, single submitter. Criteria: ICSL Variant Classification Criteria 13 December 2019. Collection method: clinical testing. Allele origin: germline.
Comment: the same text as in the submission from Illumina Laboratory Services, Illumina above.

NM_020638.3(FGF23):c.555G>C (p.Ser185=)

Gene: FGF23 (fibroblast growth factor 23; minus strand). Cytogenetic location: 12p13.32.
Variant type: single nucleotide variant.
Coding change: c.555G>C on transcript NM_020638.3 (MANE Select); coding-DNA position 555, G replaced by C.
Protein change: p.Ser185=; no amino-acid change (serine 185 retained).
Molecular consequence: synonymous variant.
Genome position (GRCh38, 1-based): chr12:4,370,544, C>G on the plus strand (G>C on the coding strand, the complement: FGF23 is on the minus strand). VCF-style: chr12-4370544-C-G. GRCh37 (hg19) VCF-style: chr12-4479710-C-G.
Other names: p.Ser185=.
Identifiers: ClinVar variation 308804 (VCV000308804.17), dbSNP rs115283398, ClinGen allele CA6395652.